The following is an entry in ClinVar:

NM_020987.5(ANK3):c.9974A>T (p.Gln3325Leu)

Gene: ANK3 (ankyrin 3; minus strand). Cytogenetic location: 10q21.2.
Variant type: single nucleotide variant.
Coding change: c.9974A>T on transcript NM_020987.5 (MANE Select); coding-DNA position 9974, A replaced by T.
Protein change: p.Gln3325Leu; replaces glutamine 3325 with leucine.
Molecular consequence: missense variant. On other transcripts: intron variant (4).
Genome position (GRCh38, 1-based): chr10:60,070,907, T>A on the plus strand (A>T on the coding strand, the complement: ANK3 is on the minus strand). VCF-style: chr10-60070907-T-A. GRCh37 (hg19) VCF-style: chr10-61830665-T-A.
Other names: c.4388-2898A>T (NM_001204403.2); c.4409-2898A>T (NM_001204404.2); c.4406-2898A>T (NM_001320874.2); c.1808-2898A>T (NM_001149.4); short protein forms Q3325L.
Identifiers: ClinVar variation 2730625 (VCV002730625.3), dbSNP rs2492528487, ClinGen allele CA377001987.

ClinVar aggregate classification (germline): Uncertain significance (1 of 4 stars; one submission).

Submission:

Labcorp Genetics (formerly Invitae), Labcorp
Classification: Uncertain significance. Last evaluated: 2023-06-27. Review status: criteria provided, single submitter. Criteria: Invitae Variant Classification Sherloc (09022015). Collection method: clinical testing. Allele origin: germline.
Comment: This sequence change replaces glutamine, which is neutral and polar, with leucine, which is neutral and non-polar, at codon 3325 of the ANK3 protein (p.Gln3325Leu). This variant is not present in population databases (gnomAD no frequency). This variant has not been reported in the literature in individuals affected with ANK3-related conditions. Advanced modeling of protein sequence and biophysical properties (such as structural, functional, and spatial information, amino acid conservation, physicochemical variation, residue mobility, and thermodynamic stability) performed at Invitae indicates that this missense variant is not expected to disrupt ANK3 protein function. In summary, the available evidence is currently insufficient to determine the role of this variant in disease. Therefore, it has been classified as a Variant of Uncertain Significance.